The following is an entry in ClinVar:

NM_018418.5(SPATA7):c.94+1G>C

Gene: SPATA7 (spermatogenesis associated 7; plus strand). Cytogenetic location: 14q31.3.
Variant type: single nucleotide variant.
Coding change: c.94+1G>C on transcript NM_018418.5 (MANE Select); the canonical splice donor site of the intron after coding-DNA position 94, G replaced by C.
Molecular consequence: splice donor variant.
Genome position (GRCh38, 1-based): chr14:88,391,456, G>C. VCF-style: chr14-88391456-G-C. GRCh37 (hg19) VCF-style: chr14-88857800-G-C.
Other names: c.94+1G>C (NM_001040428.4).
Identifiers: ClinVar variation 1999693 (VCV001999693.4), dbSNP rs2504079165, ClinGen allele CA390545476.
Genomic context (GRCh38, chr14:88,391,456, plus strand): 5'-TCCTTCCCAGATATGGTCCACCGTGCCTATTTAAAGGACACTTGAGCACCAAAAGTAATG[G>C]TAAGTGAGGTGCTTAAAACGGCAGCTTTGTTAGAAGATTGTCTGAGTGTTTCCTTTACTG-3'

ClinVar aggregate classification (germline): Likely pathogenic (1 of 4 stars; one submission).

Conditions:
Leber congenital amaurosis 3 (LCA3). Also called: SPATA7-Related Retinitis Pigmentosa. Identifiers: MedGen C1858677, MONDO:0011415, OMIM 604232.

Submission:

Labcorp Genetics (formerly Invitae), Labcorp
Classification: Likely pathogenic for Leber congenital amaurosis 3. Last evaluated: 2022-05-27. Review status: criteria provided, single submitter. Criteria: Invitae Variant Classification Sherloc (09022015). Collection method: clinical testing. Allele origin: germline.
Comment: In summary, the currently available evidence indicates that the variant is pathogenic, but additional data are needed to prove that conclusively. Therefore, this variant has been classified as Likely Pathogenic. Algorithms developed to predict the effect of sequence changes on RNA splicing suggest that this variant may disrupt the consensus splice site. This variant has not been reported in the literature in individuals affected with SPATA7-related conditions. This variant is not present in population databases (gnomAD no frequency). This sequence change affects a donor splice site in intron 2 of the SPATA7 gene. It is expected to disrupt RNA splicing. Variants that disrupt the donor or acceptor splice site typically lead to a loss of protein function (PMID: 16199547), and loss-of-function variants in SPATA7 are known to be pathogenic (PMID: 19268277, 22334370, 23847139, 26047050, 26261414).

Literature cited by the submitters: PubMed 16199547; PubMed 19268277; PubMed 22334370; PubMed 23847139; PubMed 26047050; PubMed 26261414.